The following is an entry in ClinVar:

NM_030973.4(MED25):c.2239A>C (p.Ile747Leu)

Gene: MED25 (mediator complex subunit 25; plus strand). Cytogenetic location: 19q13.33.
Variant type: single nucleotide variant.
Coding change: c.2239A>C on transcript NM_030973.4 (MANE Select); coding-DNA position 2239, A replaced by C.
Protein change: p.Ile747Leu; replaces isoleucine 747 with leucine.
Molecular consequence: missense variant. On other transcripts: intron variant (1).
Genome position (GRCh38, 1-based): chr19:49,836,939, A>C. VCF-style: chr19-49836939-A-C. GRCh37 (hg19) VCF-style: chr19-50340196-A-C.
Other names: c.2146+533A>C (NM_001378355.1); short protein forms I747L.
Identifiers: ClinVar variation 859168 (VCV000859168.6), dbSNP rs2074103858, ClinGen allele CA406922679.

ClinVar aggregate classification (germline): Uncertain significance (1 of 4 stars; one submission).

Conditions:
Charcot-Marie-Tooth disease type 2. Also called: Charcot-Marie-Tooth type 2. Identifiers: Orphanet 64746, MedGen C0270914, MONDO:0018993.

Submission:

Labcorp Genetics (formerly Invitae), Labcorp
Classification: Uncertain significance for Charcot-Marie-Tooth disease type 2. Last evaluated: 2021-09-01. Review status: criteria provided, single submitter. Criteria: Invitae Variant Classification Sherloc (09022015). Collection method: clinical testing. Allele origin: germline.
Comment: This sequence change replaces isoleucine with leucine at codon 747 of the MED25 protein (p.Ile747Leu). The isoleucine residue is moderately conserved and there is a small physicochemical difference between isoleucine and leucine. This variant is not present in population databases (ExAC no frequency). This variant has not been reported in the literature in individuals affected with MED25-related conditions. Algorithms developed to predict the effect of missense changes on protein structure and function are either unavailable or do not agree on the potential impact of this missense change (SIFT: "Deleterious"; PolyPhen-2: "Benign"; Align-GVGD: "Class C0"). In summary, the available evidence is currently insufficient to determine the role of this variant in disease. Therefore, it has been classified as a Variant of Uncertain Significance.